The following is an entry in ClinVar:

ClinVar aggregate classification (germline): Uncertain significance (1 of 4 stars; one submission).

Allele frequency attached by ClinVar (database versions not stated): ESP Exome Variant Server 0.00016; gnomAD exomes 0.00022; TOPMed 0.00029; gnomAD 0.00039; ExAC 0.00042.

Submission:

Labcorp Genetics (formerly Invitae), Labcorp
Classification: Uncertain significance. Last evaluated: 2025-12-06. Review status: criteria provided, single submitter. Criteria: Invitae Variant Classification Sherloc (09022015). Collection method: clinical testing. Allele origin: germline.
Comment: This sequence change replaces arginine, which is basic and polar, with tryptophan, which is neutral and slightly polar, at codon 1020 of the TNK2 protein (p.Arg1020Trp). This variant is present in population databases (rs371220744, gnomAD 0.07%), and has an allele count higher than expected for a pathogenic variant. This variant has not been reported in the literature in individuals affected with TNK2-related conditions. ClinVar contains an entry for this variant (Variation ID: 2038684). An algorithm developed to predict the effect of missense changes on protein structure and function outputs the following: PolyPhen-2: "Benign". The tryptophan amino acid residue is found in multiple mammalian species, which suggests that this missense change does not adversely affect protein function. In summary, the available evidence is currently insufficient to determine the role of this variant in disease. Therefore, it has been classified as a Variant of Uncertain Significance.

NM_001382273.1(TNK2):c.2869C>T (p.Arg957Trp)

Gene: TNK2 (tyrosine kinase non receptor 2; minus strand). Cytogenetic location: 3q29.
Variant type: single nucleotide variant.
Coding change: c.2869C>T on transcript NM_001382273.1 (MANE Select); coding-DNA position 2869, C replaced by T.
Protein change: p.Arg957Trp; replaces arginine 957 with tryptophan.
Molecular consequence: missense variant. On other transcripts: non-coding transcript variant (15).
Genome position (GRCh38, 1-based): chr3:195,867,429, G>A on the plus strand (C>T on the coding strand, the complement: TNK2 is on the minus strand). VCF-style: chr3-195867429-G-A. GRCh37 (hg19) VCF-style: chr3-195594300-G-A.
Other names: c.2941C>T, p.Arg981Trp (NM_001010938.2, NM_001382272.1); c.2920C>T, p.Arg974Trp (NM_001308046.2, NM_001382271.1); c.2869C>T, p.Arg957Trp (NM_001382274.1, NM_001387716.1, NM_001387717.1 and 1 more transcripts); c.2965C>T, p.Arg989Trp (NM_001382275.1, NM_001387707.1); c.2824C>T, p.Arg942Trp (NM_001386164.1, NM_001387709.1, NM_001387710.1 and 8 more transcripts); c.2896C>T, p.Arg966Trp (NM_001387708.1, NM_001387715.1); short protein forms R942W, R957W, R966W, R974W, R981W, R989W.
Identifiers: ClinVar variation 2038684 (VCV002038684.4), dbSNP rs371220744, ClinGen allele CA2775785.
Genomic context (GRCh38, chr3:195,867,429, plus strand): 5'-TCTTGTCTGCTGGCCGGCCCGCCTCTGGCCCATCGCCAGGGCAGCCCCTCTGTGGCAGCC[G>A]AGCAGTGGCCCTCGGGGGTGGTGGCCGGGCCCCTGGGTTGCTGTTGTTGGTGGAGAAGTT-3'
Protein context (NP_001369202.1, residues 947-967): ARPPPPRATA[Arg957Trp]LPQRGCPGDG